The following is an entry in ClinVar:

ClinVar aggregate classification (germline): Uncertain significance (1 of 4 stars; one submission).

gnomAD v4.1: 2 of 1,612,662 alleles (0.00012%); highest among the groups gnomAD compares: Non-Finnish European, 0.00017%; no homozygotes.

Submission:

Ambry Genetics
Classification: Uncertain significance. Last evaluated: 2021-07-10. Review status: criteria provided, single submitter. Criteria: Ambry Variant Classification Scheme 2023. Collection method: clinical testing. Allele origin: germline.
Comment: The p.D1005N variant (also known as c.3013G>A), located in coding exon 26 of the PRKDC gene, results from a G to A substitution at nucleotide position 3013. The aspartic acid at codon 1005 is replaced by asparagine, an amino acid with highly similar properties. This amino acid position is conserved. In addition, this alteration is predicted to be tolerated by in silico analysis. Since supporting evidence is limited at this time, the clinical significance of this alteration remains unclear.

NM_006904.7(PRKDC):c.3013G>A (p.Asp1005Asn)

Gene: PRKDC (protein kinase, DNA-activated, catalytic subunit; minus strand). Cytogenetic location: 8q11.21.
Variant type: single nucleotide variant.
Coding change: c.3013G>A on transcript NM_006904.7 (MANE Select); coding-DNA position 3013, G replaced by A.
Protein change: p.Asp1005Asn; replaces aspartic acid 1005 with asparagine.
Molecular consequence: missense variant.
Genome position (GRCh38, 1-based): chr8:47,904,898, C>T on the plus strand (G>A on the coding strand, the complement: PRKDC is on the minus strand). VCF-style: chr8-47904898-C-T. GRCh37 (hg19) VCF-style: chr8-48817458-C-T.
Other names: c.3013G>A, p.Asp1005Asn (NM_001081640.2); short protein forms D1005N.
Identifiers: ClinVar variation 1798826 (VCV001798826.2), dbSNP rs2551875883, ClinGen allele CA371157297.